The following is an entry in ClinVar:

NM_000037.4(ANK1):c.4184-1G>C

Gene: ANK1 (ankyrin 1; minus strand). Cytogenetic location: 8p11.21.
Variant type: single nucleotide variant.
Coding change: c.4184-1G>C on transcript NM_000037.4 (MANE Select); the canonical splice acceptor site of the intron before coding-DNA position 4184, G replaced by C.
Molecular consequence: splice acceptor variant.
Genome position (GRCh38, 1-based): chr8:41,688,231, C>G on the plus strand (G>C on the coding strand, the complement: ANK1 is on the minus strand). VCF-style: chr8-41688231-C-G. GRCh37 (hg19) VCF-style: chr8-41545749-C-G.
Other names: c.4307-1G>C (NM_001142446.2); c.4184-1G>C (NM_020477.3, NM_020475.3, NM_020476.3).
Identifiers: ClinVar variation 3656746 (VCV003656746.2).

ClinVar aggregate classification (germline): Likely pathogenic (1 of 4 stars; one submission).

Submission:

Labcorp Genetics (formerly Invitae), Labcorp
Classification: Likely pathogenic. Last evaluated: 2024-06-16. Review status: criteria provided, single submitter. Criteria: Invitae Variant Classification Sherloc (09022015). Collection method: clinical testing. Allele origin: germline.
Comment: This sequence change affects an acceptor splice site in intron 34 of the ANK1 gene. It is expected to disrupt RNA splicing. Variants that disrupt the donor or acceptor splice site typically lead to a loss of protein function (PMID: 16199547), and loss-of-function variants in ANK1 are known to be pathogenic (PMID: 8640229). This variant is not present in population databases (gnomAD no frequency). Disruption of this splice site has been observed in individual(s) with clinical features of spherocytosis (PMID: 31602632). Algorithms developed to predict the effect of sequence changes on RNA splicing suggest that this variant may disrupt the consensus splice site. In summary, the currently available evidence indicates that the variant is pathogenic, but additional data are needed to prove that conclusively. Therefore, this variant has been classified as Likely Pathogenic.

Literature cited by the submitters: PubMed 16199547; PubMed 8640229; PubMed 31602632.